The following is an entry in ClinVar:

NM_001001331.4(ATP2B2):c.327C>G (p.Ile109Met)

Gene: ATP2B2 (ATPase plasma membrane Ca2+ transporting 2; minus strand). Cytogenetic location: 3p25.3.
Variant type: single nucleotide variant.
Coding change: c.327C>G on transcript NM_001001331.4 (MANE Select); coding-DNA position 327, C replaced by G.
Protein change: p.Ile109Met; replaces isoleucine 109 with methionine.
Molecular consequence: missense variant.
Genome position (GRCh38, 1-based): chr3:10,410,688, G>C on the plus strand (C>G on the coding strand, the complement: ATP2B2 is on the minus strand). VCF-style: chr3-10410688-G-C. GRCh37 (hg19) VCF-style: chr3-10452372-G-C.
Other names: c.327C>G, p.Ile109Met (NM_001330611.3, NM_001353564.1, NM_001363862.1 and 3 more transcripts); short protein forms I109M.
Identifiers: ClinVar variation 5017406 (VCV005017406.1).

ClinVar aggregate classification (germline): Uncertain significance (1 of 4 stars; one submission).

Submission:

GeneDx
Classification: Uncertain significance. Last evaluated: 2026-03-24. Review status: criteria provided, single submitter. Criteria: GeneDx Variant Classification Process June 2021. Collection method: clinical testing. Allele origin: germline.
Comment: Not observed at significant frequency in large population cohorts (gnomAD); In silico analysis suggests that this missense variant does not alter protein structure/function; Has not been previously published as pathogenic or benign to our knowledge